The following is an entry in ClinVar:

ClinVar aggregate classification (germline): Uncertain significance (1 of 4 stars; one submission).

Conditions:
Melanoma, cutaneous malignant, susceptibility to, 8. Also called: MELANOMA AND RENAL CELL CARCINOMA, SUSCEPTIBILITY TO; Cutaneous malignant melanoma 8. Identifiers: Orphanet 293822, MedGen C3152204, MONDO:0013759, OMIM 614456.
Tietz syndrome (TADS). Also called: ALBINISM-DEAFNESS OF TIETZ; HYPOPIGMENTATION/DEAFNESS OF TIETZ; TIETZ ALBINISM-DEAFNESS SYNDROME. Identifiers: Orphanet 42665, MedGen C0391816, MONDO:0007077, OMIM 103500.
Waardenburg syndrome type 2A (WS2A). Also called: WAARDENBURG SYNDROME WITHOUT DYSTOPIA CANTHORUM. Identifiers: Orphanet 3440, MedGen C1860339, MONDO:0008671, OMIM 193510.

Submission:

Labcorp Genetics (formerly Invitae), Labcorp
Classification: Uncertain significance for Melanoma, cutaneous malignant, susceptibility to, 8; Waardenburg syndrome type 2A; Tietz syndrome. Last evaluated: 2024-12-12. Review status: criteria provided, single submitter. Criteria: Invitae Variant Classification Sherloc (09022015). Collection method: clinical testing. Allele origin: germline.
Comment: This sequence change replaces isoleucine, which is neutral and non-polar, with leucine, which is neutral and non-polar, at codon 300 of the MITF protein (p.Ile300Leu). This variant is not present in population databases (gnomAD no frequency). This variant has not been reported in the literature in individuals affected with MITF-related conditions. Invitae Evidence Modeling of protein sequence and biophysical properties (such as structural, functional, and spatial information, amino acid conservation, physicochemical variation, residue mobility, and thermodynamic stability) indicates that this missense variant is not expected to disrupt MITF protein function with a negative predictive value of 80%. In summary, the available evidence is currently insufficient to determine the role of this variant in disease. Therefore, it has been classified as a Variant of Uncertain Significance.

NM_001354604.2(MITF):c.1219A>C (p.Ile407Leu)

Gene: MITF (melanocyte inducing transcription factor; plus strand). Cytogenetic location: 3p13.
Variant type: single nucleotide variant.
Coding change: c.1219A>C on transcript NM_001354604.2 (MANE Select); coding-DNA position 1219, A replaced by C.
Protein change: p.Ile407Leu; replaces isoleucine 407 with leucine.
Molecular consequence: missense variant.
Genome position (GRCh38, 1-based): chr3:69,964,886, A>C. VCF-style: chr3-69964886-A-C. GRCh37 (hg19) VCF-style: chr3-70014037-A-C.
Other names: c.898A>C, p.Ile300Leu (NM_000248.4); c.1045A>C, p.Ile349Leu (NM_001184967.2, NM_001354608.2); c.1216A>C, p.Ile406Leu (NM_001354605.2); c.1198A>C, p.Ile400Leu (NM_001354606.2, NM_006722.3); c.1150A>C, p.Ile384Leu (NM_001354607.2); c.880A>C, p.Ile294Leu (NM_198158.3); c.1201A>C, p.Ile401Leu (NM_198159.3); c.1153A>C, p.Ile385Leu (NM_198177.3); and 1 more; short protein forms I238L, I294L, I300L, I349L, I384L, I385L, I400L, I401L.
Identifiers: ClinVar variation 3758222 (VCV003758222.2).